The following is an entry in ClinVar:

NM_000368.5(TSC1):c.2626-4_2626-3insTC

Gene: TSC1 (TSC complex subunit 1; minus strand). Cytogenetic location: 9q34.13.
Variant type: Insertion.
Coding change: c.2626-4_2626-3insTC on transcript NM_000368.5 (MANE Select); 4 bases into the intron before coding-DNA position 2626 through 3 bases into the intron before coding-DNA position 2626, TC inserted.
Molecular consequence: intron variant.
Genome position: GRCh38 VCF-style: chr9-132897613-G-GGA. GRCh37 (hg19) VCF-style: chr9-135773000-G-GGA.
Other names: c.2263-4_2263-3insTC (NM_001362177.2); c.2473-4_2473-3insTC (NM_001162427.2); c.2623-4_2623-3insTC (NM_001162426.2).
Identifiers: ClinVar variation 466090 (VCV000466090.15), dbSNP rs1554813651, ClinGen allele CA658656063.

ClinVar aggregate classification (germline): Conflicting classifications of pathogenicity. Review status: criteria provided, conflicting classifications (1 of 4 stars). 4 submissions from 4 submitters: Uncertain significance (2); Likely benign (2). Last evaluated 2026-01-28.

Conditions:
Hereditary cancer-predisposing syndrome. Also called: Hereditary neoplastic syndrome; Neoplastic Syndromes, Hereditary; Tumor predisposition; Hereditary Cancer Syndrome. Identifiers: Orphanet 140162, MedGen C0027672, MeSH D009386, MONDO:0015356.
Tuberous sclerosis 1 (TSC1). Identifiers: Orphanet 805, MedGen C1854465, MONDO:0008612, OMIM 191100.

Allele frequency attached by ClinVar (database versions not stated): gnomAD 0.00003.

Submissions (4):

Labcorp Genetics (formerly Invitae), Labcorp
Classification: Likely benign for Tuberous sclerosis 1. Last evaluated: 2026-01-28. Review status: criteria provided, single submitter. Criteria: Invitae Variant Classification Sherloc (09022015). Collection method: clinical testing. Allele origin: germline.

Myriad Genetics, Inc.
Classification: Likely benign for Tuberous sclerosis 1. Last evaluated: 2025-04-28. Review status: criteria provided, single submitter. Criteria: Myriad Autosomal Dominant, Autosomal Recessive and X-Linked Classification Criteria (2023). Collection method: clinical testing. Allele origin: unknown.
Comment: This variant is considered likely benign. This variant is intronic and is not expected to impact mRNA splicing.

Quest Diagnostics Nichols Institute San Juan Capistrano
Classification: Uncertain significance. Last evaluated: 2024-03-25. Review status: criteria provided, single submitter. Criteria: Quest Diagnostics criteria. Collection method: clinical testing. Allele origin: unknown.

Sema4
Classification: Uncertain significance for Hereditary cancer-predisposing syndrome. Last evaluated: 2021-07-13. Review status: criteria provided, single submitter. Criteria: Sema4 Curation Guidelines. Collection method: curation. Allele origin: germline.
Comment: The TSC1 c.2626-4_2626-3insTC variant has not been reported in the literature to our knowledge. It was not observed in in the large and broad cohorts of the Genome Aggregation Database. The variant has been reported in ClinVar (Variation ID: 495837). This variant does not overlap a splice site and algorithms developed to predict the effect of sequence changes on RNA splicing do not suggest negative effect on normal splicing. The evidence is insufficient to meet ACMG/AMP criteria for classifying the variant as benign or pathogenic. Thus, the clinical significance of this variant is currently uncertain.